The following is an entry in ClinVar:

ClinVar aggregate classification (germline): Uncertain significance. Review status: criteria provided, multiple submitters, no conflicts (2 of 4 stars). 2 submissions from 2 submitters: Uncertain significance (2). Last evaluated 2024-01-07.

Conditions:
Cardiovascular phenotype. Identifiers: MedGen CN230736.
Long QT syndrome (LQTS). Identifiers: MedGen C0023976, MeSH D008133, MONDO:0002442. Disease mechanism: loss of function. Inheritance: Various modes of inheritance.

Allele frequency attached by ClinVar (database versions not stated): TOPMed below 0.00001; gnomAD exomes 0.00001.
gnomAD v4.1: 9 of 1,607,642 alleles (0.00056%); highest among the groups gnomAD compares: East Asian, 0.0022%; no homozygotes.

Submissions (2):

Ambry Genetics
Classification: Uncertain significance for Cardiovascular phenotype. Last evaluated: 2024-01-07. Review status: criteria provided, single submitter. Criteria: Ambry Variant Classification Scheme 2023. Collection method: clinical testing. Allele origin: germline.
Comment: The p.G1282R variant (also known as c.3844G>A), located in coding exon 13 of the AKAP9 gene, results from a G to A substitution at nucleotide position 3844. The glycine at codon 1282 is replaced by arginine, an amino acid with dissimilar properties. This amino acid position is conserved. In addition, this alteration is predicted to be tolerated by in silico analysis. Since supporting evidence is limited at this time, the clinical significance of this alteration remains unclear.

Labcorp Genetics (formerly Invitae), Labcorp
Classification: Uncertain significance for Long QT syndrome. Last evaluated: 2022-01-16. Review status: criteria provided, single submitter. Criteria: Invitae Variant Classification Sherloc (09022015). Collection method: clinical testing. Allele origin: germline.
Comment: This sequence change replaces glycine, which is neutral and non-polar, with arginine, which is basic and polar, at codon 1282 of the AKAP9 protein (p.Gly1282Arg). In summary, the available evidence is currently insufficient to determine the role of this variant in disease. Therefore, it has been classified as a Variant of Uncertain Significance. Algorithms developed to predict the effect of missense changes on protein structure and function output the following: SIFT: "Tolerated"; PolyPhen-2: "Benign"; Align-GVGD: "Class C0". The arginine amino acid residue is found in multiple mammalian species, which suggests that this missense change does not adversely affect protein function. This variant has not been reported in the literature in individuals affected with AKAP9-related conditions. This variant is present in population databases (no rsID available, gnomAD 0.006%).

NM_005751.5(AKAP9):c.3844G>A (p.Gly1282Arg)

Gene: AKAP9 (A-kinase anchoring protein 9; plus strand). Cytogenetic location: 7q21.2.
Variant type: single nucleotide variant.
Coding change: c.3844G>A on transcript NM_005751.5 (MANE Select); coding-DNA position 3844, G replaced by A.
Protein change: p.Gly1282Arg; replaces glycine 1282 with arginine.
Molecular consequence: missense variant.
Genome position (GRCh38, 1-based): chr7:92,022,244, G>A. VCF-style: chr7-92022244-G-A. GRCh37 (hg19) VCF-style: chr7-91651558-G-A.
Other names: c.3844G>A, p.Gly1282Arg (NM_147185.3); short protein forms G1282R.
Identifiers: ClinVar variation 2144679 (VCV002144679.5), dbSNP rs1295931115, ClinGen allele CA368127379.